The following is an entry in ClinVar:

NM_017617.5(NOTCH1):c.3853G>A (p.Val1285Met)

Gene: NOTCH1 (notch receptor 1; minus strand). Cytogenetic location: 9q34.3.
Variant type: single nucleotide variant.
Coding change: c.3853G>A on transcript NM_017617.5 (MANE Select); coding-DNA position 3853, G replaced by A.
Protein change: p.Val1285Met; replaces valine 1285 with methionine.
Molecular consequence: missense variant.
Genome position (GRCh38, 1-based): chr9:136,506,764, C>T on the plus strand (G>A on the coding strand, the complement: NOTCH1 is on the minus strand). VCF-style: chr9-136506764-C-T. GRCh37 (hg19) VCF-style: chr9-139401216-C-T.
Other names: c.3853G>A, p.Val1285Met (LRG_1122t1); c.3853G>A (NM_017617.4); short protein forms V1285M.
Identifiers: ClinVar variation 450338 (VCV000450338.24), dbSNP rs756972680, ClinGen allele CA5340787.
Genomic context (GRCh38, chr9:136,506,764, plus strand): 5'-CGCGGCACCCACCGGTGTGACCAGCACGGCACTCGCAGTGGAAGTCATTGACGCGCTGCA[C>T]GCAGTTCTGGGTGCCACGGGCGTCGCAGGGATTGGACAGGCACTCGTTGACATCCCCCTC-3'
Protein context (NP_060087.3, residues 1275-1295): PCDARGTQNC[Val1285Met]QRVNDFHCEC

ClinVar aggregate classification (germline): Conflicting classifications of pathogenicity. Review status: criteria provided, conflicting classifications (1 of 4 stars). 14 submissions from 13 submitters: Uncertain significance (7); Benign (1); Likely benign (2). 4 of the submissions do not count toward it. Last evaluated 2026-08-19.

Conditions:
NOTCH1-related disorder. Also called: NOTCH1-related condition; NOTCH1-related disorders.
Hypoplastic left heart syndrome. Also called: Hypoplastic left ventricle; Hypoplastic left heart. Identifiers: Orphanet 2248, MedGen C0152101, MONDO:0004933, HP:0004383.
Adams-Oliver syndrome 5 (AOS5). Identifiers: Orphanet 974, MedGen C4014970, MONDO:0014459, OMIM 616028.
Aortic valve disease 1 (AOVD1). Identifiers: MedGen C3887892, MONDO:0024523, OMIM 109730.
Familial thoracic aortic aneurysm and aortic dissection (TAAD). Also called: Thoracic aortic aneurysms and dissections. Identifiers: Orphanet 91387, MedGen C4707243, MONDO:0019625.

Allele frequency attached by ClinVar (database versions not stated): gnomAD 0.00007 and 0.00009; ExAC 0.00009; TOPMed 0.00011.
gnomAD v4.1: 134 of 1,607,634 alleles (0.0083%); highest among the groups gnomAD compares: Middle Eastern, 0.2%; 1 homozygote.

Submissions (14):

PreventionGenetics, part of Exact Sciences
Classification: Uncertain significance for NOTCH1-related condition. Last evaluated: 2026-08-19. Review status: criteria provided, single submitter. Criteria: ACMG Guidelines, 2015. Collection method: clinical testing. Allele origin: germline.
Comment: The NOTCH1 c.3853G>A variant is predicted to result in the amino acid substitution p.Val1285Met. This variant was reported in an individual with hypoplastic left heart syndrome, but additional evidence was not provided to determine causation (Helle et al 2018. PubMed ID: 30511478). This variant has also been reported in an ischemic stroke cohort (Table S1, Alkhamis et al. 2023. PubMed ID: 36973604). This variant is reported in 0.0074% of alleles in individuals of European (Non-Finnish) descent in gnomAD. Another missense variant affecting the same amino acid, c.3853G>T, p.(Val1285Leu), has been reported in an individual with congenital heart defects (Extended Data Set 4, Sierant et al. 2025. PubMed ID: 40127276); however, variants in other genes were also reported. At this time, the clinical significance of this p.Val1285Met variant is uncertain due to the absence of conclusive functional and genetic evidence.

Labcorp Genetics (formerly Invitae), Labcorp
Classification: Benign for Adams-Oliver syndrome 5. Last evaluated: 2025-11-30. Review status: criteria provided, single submitter. Criteria: Invitae Variant Classification Sherloc (09022015). Collection method: clinical testing. Allele origin: germline.

Blueprint Genetics
Classification: Likely benign. Last evaluated: 2024-09-02. Review status: criteria provided, single submitter. Criteria: ACMG Guidelines, 2015. Collection method: clinical testing. Allele origin: germline.

Ambry Genetics
Classification: Uncertain significance for Familial thoracic aortic aneurysm and aortic dissection. Last evaluated: 2023-09-27. Review status: criteria provided, single submitter. Criteria: Ambry Variant Classification Scheme 2023. Collection method: clinical testing. Allele origin: germline.
Comment: The p.V1285M variant (also known as c.3853G>A), located in coding exon 23 of the NOTCH1 gene, results from a G to A substitution at nucleotide position 3853. The valine at codon 1285 is replaced by methionine, an amino acid with highly similar properties. This variant was detected in one individual with hypoplastic left heart syndrome (Helle E et al. Genet. Epidemiol., 2019 03;43:215-226). This alteration has also been reported in an ischemic stroke cohort (Alkhamis FA et al. Funct Integr Genomics, 2023 Mar;23:102). This amino acid position is not well conserved in available vertebrate species. In addition, the in silico prediction for this alteration is inconclusive. Since supporting evidence is limited at this time, the clinical significance of this alteration remains unclear.

Women's Health and Genetics/Laboratory Corporation of America, LabCorp
Classification: Likely benign. Last evaluated: 2023-08-14. Review status: criteria provided, single submitter. Criteria: LabCorp Variant Classification Summary - May 2015. Collection method: clinical testing. Allele origin: germline.
Comment: Variant summary: NOTCH1 c.3853G>A (p.Val1285Met) results in a conservative amino acid change located in the EGF-like domain (IPR000742) of the encoded protein sequence. Four of five in-silico tools predict a damaging effect of the variant on protein function. The variant allele was found at a frequency of 5.5e-05 in 236138 control chromosomes (gnomAD). The observed variant frequency is approximately 88 fold of the estimated maximal expected allele frequency for a pathogenic variant in NOTCH1 causing Adams-Oliver Syndrome 5 (6.3e-07), strongly suggesting that the variant is benign. c.3853G>A has been reported in the literature in one individual affected with Hypolastic Left Heart Syndrome without evidence of segregation (Helle_2019). This report does not provide unequivocal conclusions about association of the variant with Adams-Oliver Syndrome 5. To our knowledge, no experimental evidence demonstrating an impact on protein function has been reported. The following publication have been ascertained in the context of this evaluation (PMID: 30511478). Five ClinVar submitters have assessed this variant since 2014: four classified the variant as uncertain significance and one as benign. Based on the evidence outlined above, the variant was classified as likely benign.

Genome-Nilou Lab
Classification: Uncertain significance for Adams-Oliver syndrome 5. Last evaluated: 2022-03-15. Review status: criteria provided, single submitter. Criteria: ACMG Guidelines, 2015. Collection method: clinical testing. Allele origin: germline. Affected: no.

Genome-Nilou Lab
Classification: Uncertain significance for Aortic valve disease 1. Last evaluated: 2022-03-15. Review status: criteria provided, single submitter. Criteria: ACMG Guidelines, 2015. Collection method: clinical testing. Allele origin: germline. Affected: no.

GeneDx
Classification: Uncertain significance. Last evaluated: 2020-11-16. Review status: criteria provided, single submitter. Criteria: GeneDx Variant Classification Process June 2021. Collection method: clinical testing. Allele origin: germline. Affected: yes.
Comment: Reported in one proband with hypoplastic left heart syndrome, though clinical and segregation details are not available (Helle et al., 2019); Reported in ClinVar as a variant of uncertain significance but additional evidence is not available (ClinVar Variant ID# 450338; Landrum et al., 2016); In silico analysis, which includes protein predictors and evolutionary conservation, supports that this variant does not alter protein structure/function; This variant is associated with the following publications: (PMID: 25587027, 30511478)

Breakthrough Genomics
Classification: Uncertain significance. Review status: criteria provided, single submitter. Criteria: ACMG Guidelines, 2015. Collection method: not provided. Allele origin: germline. Inheritance: Autosomal dominant inheritance. Affected: yes.

Center for Genomics, Ann and Robert H. Lurie Children's Hospital of Chicago
Classification: Uncertain significance for Adams-Oliver syndrome 5; Aortic valve disease 1. Review status: criteria provided, single submitter. Criteria: ACMG Guidelines, 2015. Collection method: clinical testing. Allele origin: germline.
Comment: NOTCH1 NM_017617.5 exon 23 p.Val1285Met (c.3853G>A): This variant has not been reported in the literature but is present in 0.007% (9/121848) of European alleles in the Genome Aggregation Database. This variant is present in ClinVar (Variation ID:450338). Evolutionary conservation and computational predictive tools suggest that this variant may impact the protein. In summary, data on this variant is insufficient for disease classification. Therefore, the clinical significance of this variant is uncertain.

Department of Pathology and Laboratory Medicine, Sinai Health System
Classification: Uncertain significance. Review status: no assertion criteria provided. Collection method: clinical testing. Allele origin: unknown. Affected: yes. Study: The Canadian Open Genetics Repository (COGR). Not counted in ClinVar's aggregate classification.
Comment: The NOTCH1 p.Val1285Met variant was identified in 1/49 probands with hypoplastic left heart syndrome (Helle_2017_PMID:30511478) and 1/108 B-chronic lymphocytic leukemia patients (Athanasakis_2014_PMID:25587027). The variant was identified in dbSNP (ID: rs756972680), ClinVar (classified as uncertain significance by GeneDx and Invitae for Adams-Oliver Syndrome 5) and LOVD 3.0 (classified as uncertain significance by VKGL-NL). The variant was identified in control databases in 14 of 267496 chromosomes at a frequency of 0.00005234 (Genome Aggregation Database March 6, 2019, v2.1.1). The variant was observed in the following populations: Other in 3 of 6838 chromosomes (freq: 0.000439), European (non-Finnish) in 9 of 121848 chromosomes (freq: 0.000074), South Asian in 1 of 29434 chromosomes (freq: 0.000034) and Latino in 1 of 34386 chromosomes (freq: 0.000029), but was not observed in the African, Ashkenazi Jewish, East Asian, or European (Finnish) populations. The p.Val1285 residue is conserved in mammals and computational analyses (PolyPhen-2, SIFT, AlignGVGD, BLOSUM, MutationTaster) provide inconsistent predictions regarding the impact to the protein; this information is not very predictive of pathogenicity. The variant occurs outside of the splicing consensus sequence and in silico or computational prediction software programs (SpliceSiteFinder, MaxEntScan, NNSPLICE, GeneSplicer) do not predict a difference in splicing. In summary, based on the above information the clinical significance of this variant cannot be determined with certainty at this time. This variant is classified as a variant of uncertain significance.

Genome Diagnostics Laboratory, University Medical Center Utrecht
Classification: Uncertain significance. Review status: no assertion criteria provided. Collection method: clinical testing. Allele origin: germline. Affected: yes. Study: VKGL Data-share Consensus. Not counted in ClinVar's aggregate classification.

Joint Genome Diagnostic Labs from Nijmegen and Maastricht, Radboudumc and MUMC+
Classification: Uncertain significance. Review status: no assertion criteria provided. Collection method: clinical testing. Allele origin: germline. Affected: yes. Study: VKGL Data-share Consensus. Not counted in ClinVar's aggregate classification.

University of Washington Center for Mendelian Genomics, University of Washington
Classification: Uncertain significance for hypoplastic left heart syndrome. Review status: no assertion criteria provided. Collection method: research. Allele origin: unknown. Affected: yes. Not counted in ClinVar's aggregate classification.

Literature cited by the submitters: PubMed 30511478 (cited by 3 submitters); PubMed 35288444 (cited by Ambry Genetics); PubMed 36973604 (cited by Ambry Genetics).